The following is an entry in ClinVar:

ClinVar aggregate classification (germline): Uncertain significance (1 of 4 stars; one submission).

Conditions:
Inborn genetic diseases. Identifiers: MedGen C0950123, MeSH D030342.

Submission:

Ambry Genetics
Classification: Uncertain significance for Inborn genetic diseases. Last evaluated: 2024-03-18. Review status: criteria provided, single submitter. Criteria: Ambry Variant Classification Scheme 2023. Collection method: clinical testing. Allele origin: germline.
Comment: The p.T628A variant (also known as c.1882A>G), located in coding exon 20 of the ERCC2 gene, results from an A to G substitution at nucleotide position 1882. The threonine at codon 628 is replaced by alanine, an amino acid with similar properties. This amino acid position is conserved. In addition, this alteration is predicted to be deleterious by in silico analysis. Based on the available evidence, the clinical significance of this alteration remains unclear.

NM_000400.4(ERCC2):c.1882A>G (p.Thr628Ala)

Gene: ERCC2 (ERCC excision repair 2, TFIIH core complex helicase subunit; minus strand). Cytogenetic location: 19q13.32.
Variant type: single nucleotide variant.
Coding change: c.1882A>G on transcript NM_000400.4 (MANE Select); coding-DNA position 1882, A replaced by G.
Protein change: p.Thr628Ala; replaces threonine 628 with alanine.
Molecular consequence: missense variant.
Genome position (GRCh38, 1-based): chr19:45,352,766, T>C on the plus strand (A>G on the coding strand, the complement: ERCC2 is on the minus strand). VCF-style: chr19-45352766-T-C. GRCh37 (hg19) VCF-style: chr19-45856024-T-C.
Other names: short protein forms T628A.
Identifiers: ClinVar variation 3276247 (VCV003276247.1).